The following is an entry in ClinVar:

ClinVar aggregate classification (germline): Uncertain significance (1 of 4 stars; one submission).

Conditions:
Myofibrillar myopathy 5. Also called: Filaminopathy (type); FILAMINOPATHY, AUTOSOMAL DOMINANT. Identifiers: Orphanet 171445, MedGen C1836050, MONDO:0012289, OMIM 609524.
Distal myopathy with posterior leg and anterior hand involvement. Also called: WILLIAMS DISTAL MYOPATHY. Identifiers: Orphanet 63273, MedGen C3279722, MONDO:0013550, OMIM 614065.
Hypertrophic cardiomyopathy 26. Also called: Cardiomyopathy, familial hypertrophic, 26. Identifiers: Orphanet 75249, MedGen C4310749, MONDO:0014883, OMIM 617047.

Submission:

Labcorp Genetics (formerly Invitae), Labcorp
Classification: Uncertain significance for Distal myopathy with posterior leg and anterior hand involvement; Myofibrillar myopathy 5; Hypertrophic cardiomyopathy 26. Last evaluated: 2023-12-19. Review status: criteria provided, single submitter. Criteria: Invitae Variant Classification Sherloc (09022015). Collection method: clinical testing. Allele origin: germline.
Comment: This sequence change replaces proline, which is neutral and non-polar, with arginine, which is basic and polar, at codon 22 of the FLNC protein (p.Pro22Arg). This variant is not present in population databases (gnomAD no frequency). This variant has not been reported in the literature in individuals affected with FLNC-related conditions. ClinVar contains an entry for this variant (Variation ID: 1956528). Advanced modeling of protein sequence and biophysical properties (such as structural, functional, and spatial information, amino acid conservation, physicochemical variation, residue mobility, and thermodynamic stability) has been performed at Invitae for this missense variant, however the output from this modeling did not meet the statistical confidence thresholds required to predict the impact of this variant on FLNC protein function. In summary, the available evidence is currently insufficient to determine the role of this variant in disease. Therefore, it has been classified as a Variant of Uncertain Significance.

NM_001458.5(FLNC):c.65C>G (p.Pro22Arg)

Gene: FLNC (filamin C; plus strand). Cytogenetic location: 7q32.1.
Variant type: single nucleotide variant.
Coding change: c.65C>G on transcript NM_001458.5 (MANE Select); coding-DNA position 65, C replaced by G.
Protein change: p.Pro22Arg; replaces proline 22 with arginine.
Molecular consequence: missense variant.
Genome position (GRCh38, 1-based): chr7:128,830,702, C>G. VCF-style: chr7-128830702-C-G. GRCh37 (hg19) VCF-style: chr7-128470756-C-G.
Other names: c.65C>G, p.Pro22Arg (NM_001127487.2); short protein forms P22R.
Identifiers: ClinVar variation 1956528 (VCV001956528.5), dbSNP rs908757095, ClinGen allele CA369215577.
Genomic context (GRCh38, chr7:128,830,702, plus strand): 5'-TGAACAACAGCGGCTACTCAGACGCCGGCCTCGGCCTGGGCGATGAGACAGACGAGATGC[C>G]GTCCACGGAGAAGGACCTGGCGGAGGACGCGCCGTGGAAGAAGATCCAGCAGAACACATT-3'
Protein context (NP_001449.3, residues 12-32): LGLGDETDEM[Pro22Arg]STEKDLAEDA